The following is an entry in ClinVar:

ClinVar aggregate classification (germline): Uncertain significance (1 of 4 stars; one submission).

Conditions:
Cardiomyopathy (CMYO). Also called: Cardiomyopathies. Identifiers: Orphanet 167848, MedGen C0878544, MONDO:0004994, HP:0001638. Inheritance: Various modes of inheritance.

Submission:

Color Diagnostics, LLC DBA Color Health
Classification: Uncertain significance for Cardiomyopathy. Last evaluated: 2024-03-06. Review status: criteria provided, single submitter. Criteria: ACMG Guidelines, 2015. Collection method: clinical testing. Allele origin: germline.
Comment: This missense variant replaces phenylalanine with leucine at codon 1627 of the RYR2 protein. Computational prediction suggests that this variant may not impact protein structure and function (internally defined REVEL score threshold <= 0.5, PMID: 27666373). To our knowledge, functional studies have not been reported for this variant. This variant has not been reported in individuals affected with cardiovascular disorders in the literature. This variant has not been identified in the general population by the Genome Aggregation Database (gnomAD). The available evidence is insufficient to determine the role of this variant in disease conclusively. Therefore, this variant is classified as a Variant of Uncertain Significance.

NM_001035.3(RYR2):c.4879T>C (p.Phe1627Leu)

Gene: RYR2 (ryanodine receptor 2; plus strand). Cytogenetic location: 1q43.
Variant type: single nucleotide variant.
Coding change: c.4879T>C on transcript NM_001035.3 (MANE Select); coding-DNA position 4879, T replaced by C.
Protein change: p.Phe1627Leu; replaces phenylalanine 1627 with leucine.
Molecular consequence: missense variant.
Genome position (GRCh38, 1-based): chr1:237,610,957, T>C. VCF-style: chr1-237610957-T-C. GRCh37 (hg19) VCF-style: chr1-237774257-T-C.
Other names: short protein forms F1627L.
Identifiers: ClinVar variation 2774302 (VCV002774302.2), dbSNP rs2546768195, ClinGen allele CA345402827.